The following is an entry in ClinVar:

NM_138713.4(NFAT5):c.487T>C (p.Ser163Pro)

Gene: NFAT5 (nuclear factor of activated T cells 5; plus strand). Cytogenetic location: 16q22.1.
Variant type: single nucleotide variant.
Coding change: c.487T>C on transcript NM_138713.4 (MANE Select); coding-DNA position 487, T replaced by C.
Protein change: p.Ser163Pro; replaces serine 163 with proline.
Molecular consequence: missense variant. On other transcripts: intron variant (1).
Genome position (GRCh38, 1-based): chr16:69,647,261, T>C. VCF-style: chr16-69647261-T-C. GRCh37 (hg19) VCF-style: chr16-69681164-T-C.
Other names: c.487T>C, p.Ser163Pro (NM_001113178.3); c.433T>C, p.Ser145Pro (NM_006599.4); c.205T>C, p.Ser69Pro (NM_138714.4, NM_173214.3, NM_173215.3); c.140+94T>C (NM_001367709.1); short protein forms S145P, S69P, S163P.
Identifiers: ClinVar variation 1988422 (VCV001988422.4), dbSNP rs2035478468, ClinGen allele CA396484469.

ClinVar aggregate classification (germline): Uncertain significance (1 of 4 stars; one submission).

Conditions:
Immunodeficiency. Identifiers: MedGen C0021051, MONDO:0021094, HP:0002721.

Allele frequency attached by ClinVar (database versions not stated): gnomAD exomes below 0.00001; TOPMed below 0.00001.
gnomAD v4.1: 1 of 1,614,104 alleles (0.000062%); highest among the groups gnomAD compares: Non-Finnish European, 0.000085%; no homozygotes.

Submission:

Labcorp Genetics (formerly Invitae), Labcorp
Classification: Uncertain significance for Immunodeficiency. Last evaluated: 2022-05-13. Review status: criteria provided, single submitter. Criteria: Invitae Variant Classification Sherloc (09022015). Collection method: clinical testing. Allele origin: germline.
Comment: This variant is not present in population databases (gnomAD no frequency). This sequence change replaces serine, which is neutral and polar, with proline, which is neutral and non-polar, at codon 69 of the NFAT5 protein (p.Ser69Pro). This variant has not been reported in the literature in individuals affected with NFAT5-related conditions. In summary, the available evidence is currently insufficient to determine the role of this variant in disease. Therefore, it has been classified as a Variant of Uncertain Significance. Algorithms developed to predict the effect of missense changes on protein structure and function are either unavailable or do not agree on the potential impact of this missense change (SIFT: "Tolerated"; PolyPhen-2: "Probably Damaging"; Align-GVGD: "Class C0").